The following is an entry in ClinVar:

NM_002662.5(PLD1):c.2914G>T (p.Glu972Ter)

Gene: PLD1 (phospholipase D1; minus strand). Cytogenetic location: 3q26.31.
Variant type: single nucleotide variant.
Coding change: c.2914G>T on transcript NM_002662.5 (MANE Select); coding-DNA position 2914, G replaced by T.
Protein change: p.Glu972Ter; replaces glutamic acid 972 with a stop codon.
Molecular consequence: nonsense.
Genome position (GRCh38, 1-based): chr3:171,605,385, C>A on the plus strand (G>T on the coding strand, the complement: PLD1 is on the minus strand). VCF-style: chr3-171605385-C-A. GRCh37 (hg19) VCF-style: chr3-171323175-C-A.
Other names: c.2800G>T, p.Glu934Ter (NM_001130081.3); short protein forms E972*, E934*.
Identifiers: ClinVar variation 4775586 (VCV004775586.1).
Genomic context (GRCh38, chr3:171,605,385, plus strand): 5'-CTGCTGTTGAAACCCACACCTCCTTGAAGAATTTGTCACTCACTGGATCCTGAATGTCCT[C>A]ACTTGGGTCATCAAGATAGCCAAGGACAACCCTGAAATACAAGTGACCTCCACATTGAGT-3'

ClinVar aggregate classification (germline): Pathogenic (1 of 4 stars; one submission).

Submission:

Labcorp Genetics (formerly Invitae), Labcorp
Classification: Pathogenic. Last evaluated: 2025-02-28. Review status: criteria provided, single submitter. Criteria: Invitae Variant Classification Sherloc (09022015). Collection method: clinical testing. Allele origin: germline.
Comment: This sequence change creates a premature translational stop signal (p.Glu972*) in the PLD1 gene. It is expected to result in an absent or disrupted protein product. Loss-of-function variants in PLD1 are known to be pathogenic (PMID: 27799408, 33645542). This variant is not present in population databases (gnomAD no frequency). This variant has not been reported in the literature in individuals affected with PLD1-related conditions. Algorithms developed to predict the effect of sequence changes on RNA splicing suggest that this variant may disrupt the consensus splice site. For these reasons, this variant has been classified as Pathogenic.

Literature cited by the submitters: PubMed 27799408; PubMed 33645542.